The following is an entry in ClinVar:

NM_000440.3(PDE6A):c.1097del (p.Asp366fs)

Gene: PDE6A (phosphodiesterase 6A; minus strand). Cytogenetic location: 5q32.
Variant type: Deletion.
Coding change: c.1097del on transcript NM_000440.3 (MANE Select); coding-DNA position 1097, one base deleted (A; older notation c.1097delA).
Protein change: p.Asp366fs; shifts the reading frame from aspartic acid 366.
Molecular consequence: frameshift variant.
Genome position (GRCh38, 1-based): chr5:149,903,664, T deleted on the plus strand (A on the coding strand, the reverse complement: PDE6A is on the minus strand). VCF-style (leftmost placement, unchanged base first): chr5-149903663-GT-G. GRCh37 (hg19) VCF-style: chr5-149283226-GT-G.
Other names: c.1097del (NM_000440.2); short protein forms D366fs.
Identifiers: ClinVar variation 817435 (VCV000817435.2), dbSNP rs1581186849, ClinGen allele CA915942681.

ClinVar aggregate classification (germline): Likely pathogenic. Review status: criteria provided, multiple submitters, no conflicts (2 of 4 stars). 2 submissions from 2 submitters: Likely pathogenic (2). Last evaluated 2021-04-08.

Conditions:
Retinitis pigmentosa 43 (RP43). Identifiers: Orphanet 791, MedGen C3151139, MONDO:0013437, OMIM 613810.

Allele frequency attached by ClinVar (database versions not stated): gnomAD exomes below 0.00001.

Submissions (2):

Ocular Genomics Institute, Massachusetts Eye and Ear
Classification: Likely pathogenic for Retinitis pigmentosa 43. Last evaluated: 2021-04-08. Review status: criteria provided, single submitter. Criteria: ACMG Guidelines, 2015. Collection method: research. Allele origin: germline. Affected: yes.
Comment: Through a review of available evidence we were able to apply the following criteria: PVS1, PM2. Based on this evidence we have classified this variant as Likely Pathogenic.

GeneDx
Classification: Likely pathogenic. Last evaluated: 2019-02-05. Review status: criteria provided, single submitter. Criteria: GeneDx Variant Classification (06012015). Collection method: clinical testing. Allele origin: germline. Affected: yes.
Comment: The c.1097delA variant in the PDE6A gene has not been reported previously as a pathogenic variant nor as a benign variant, to our knowledge. The c.1097delA variant causes a frameshift starting with codon Aspartic Acid 366, changes this amino acid to an Alanine residue, and creates a premature Stop codon at position 16 of the new reading frame, denoted p.Asp366AlafsX16. This variant is predicted to cause loss of normal protein function either through protein truncation or nonsense-mediated mRNA decay. The c.1097delA variant is not observed in large population cohorts (Lek et al., 2016). We interpret c.1097delA as a likely pathogenic variant.